The following is an entry in ClinVar:

NM_020812.4(DOCK6):c.1878C>T (p.Cys626=)

Gene: DOCK6 (dedicator of cytokinesis 6; minus strand). Cytogenetic location: 19p13.2.
Variant type: single nucleotide variant.
Coding change: c.1878C>T on transcript NM_020812.4 (MANE Select); coding-DNA position 1878, C replaced by T.
Protein change: p.Cys626=; no amino-acid change (cysteine 626 retained).
Molecular consequence: synonymous variant.
Genome position (GRCh38, 1-based): chr19:11,237,734, G>A on the plus strand (C>T on the coding strand, the complement: DOCK6 is on the minus strand). VCF-style: chr19-11237734-G-A. GRCh37 (hg19) VCF-style: chr19-11348410-G-A.
Other names: c.1878C>T, p.Cys626= (NM_001367830.1).
Identifiers: ClinVar variation 4085348 (VCV004085348.8).

ClinVar aggregate classification (germline): Likely benign (1 of 4 stars; one submission).

gnomAD v4.1: 14 of 1,580,046 alleles (0.00089%); highest among the groups gnomAD compares: South Asian, 0.007%; 1 homozygote.

Submission:

CeGaT Center for Human Genetics Tuebingen
Classification: Likely benign. Last evaluated: 2025-06-01. Review status: criteria provided, single submitter. Criteria: CeGaT Center For Human Genetics Tuebingen Variant Classification Criteria Version 2. Collection method: clinical testing. Allele origin: germline. Affected: yes. Observed: 1 variant allele.
Comment: DOCK6: BP4, BP7